The following is an entry in ClinVar:

NM_003611.3(OFD1):c.599T>C (p.Leu200Pro)

Gene: OFD1 (OFD1 centriole and centriolar satellite protein; plus strand). Cytogenetic location: Xp22.2.
Variant type: single nucleotide variant.
Coding change: c.599T>C on transcript NM_003611.3 (MANE Select); coding-DNA position 599, T replaced by C.
Protein change: p.Leu200Pro; replaces leucine 200 with proline.
Molecular consequence: missense variant.
Genome position (GRCh38, 1-based): chrX:13,746,400, T>C. VCF-style: chrX-13746400-T-C. GRCh37 (hg19) VCF-style: chrX-13764519-T-C.
Other names: c.599T>C, p.Leu200Pro (NM_001330209.2); c.179T>C, p.Leu60Pro (NM_001330210.2); short protein forms L200P, L60P.
Identifiers: ClinVar variation 978060 (VCV000978060.2), dbSNP rs2047299277, ClinGen allele CA412337274.

ClinVar aggregate classification (germline): Pathogenic (1 of 4 stars; one submission).

Conditions:
Joubert syndrome 10 (JBTS10). Identifiers: Orphanet 2754, MedGen C2749019, MONDO:0010431, OMIM 300804.

Submission:

Medical Genetics Laboratory, West China Hospital, Sichuan University
Classification: Pathogenic for Joubert syndrome 10. Review status: criteria provided, single submitter. Criteria: ACMG Guidelines, 2015. Collection method: in vitro, in vivo. Allele origin: not applicable. Inheritance: X-linked recessive inheritance.
Comment: Variant c.599T>C was evaluated to be deleterious by Mutation Taster and amino acid was highly conserved in multiple species.